The following is an entry in ClinVar:

NM_000038.6(APC):c.2797A>C (p.Asn933His)

Gene: APC (APC regulator of WNT signaling pathway; plus strand). Cytogenetic location: 5q22.2.
Variant type: single nucleotide variant.
Coding change: c.2797A>C on transcript NM_000038.6 (MANE Select); coding-DNA position 2797, A replaced by C.
Protein change: p.Asn933His; replaces asparagine 933 with histidine.
Molecular consequence: missense variant. On other transcripts: non-coding transcript variant (2).
Genome position (GRCh38, 1-based): chr5:112,838,391, A>C. VCF-style: chr5-112838391-A-C. GRCh37 (hg19) VCF-style: chr5-112174088-A-C.
Other names: c.2797A>C, p.Asn933His (NM_001127510.3, NM_001354895.2, NM_001407450.1); c.2743A>C, p.Asn915His (NM_001127511.3); c.2851A>C, p.Asn951His (NM_001354896.2, NM_001407447.1, NM_001407448.1 and 1 more transcripts); c.2827A>C, p.Asn943His (NM_001354897.2); c.2722A>C, p.Asn908His (NM_001354898.2); c.2713A>C, p.Asn905His (NM_001354899.2); c.2674A>C, p.Asn892His (NM_001354900.2); c.2620A>C, p.Asn874His (NM_001354901.2, NM_001407453.1); and 11 more; short protein forms N549H, N650H, N773H, N804H, N807H, N832H, N842H, N850H.
Identifiers: ClinVar variation 3386362 (VCV003386362.1).

ClinVar aggregate classification (germline): Uncertain significance (1 of 4 stars; one submission).

Conditions:
Classic or attenuated familial adenomatous polyposis. Identifiers: MedGen CN372698, MONDO:0021057.

Submission:

All of Us Research Program, National Institutes of Health
Classification: Uncertain significance for Classic or attenuated familial adenomatous polyposis. Last evaluated: 2024-03-24. Review status: criteria provided, single submitter. Criteria: ACMG Guidelines, 2015. Collection method: clinical testing. Allele origin: germline. Inheritance: Autosomal dominant inheritance. Observed: 1 variant allele, 1 heterozygote.
Comment: This missense variant replaces asparagine with histidine at codon 933 of the APC protein. Computational prediction suggests that this variant may not impact protein structure and function (internally defined REVEL score threshold <= 0.5, PMID: 27666373). To our knowledge, functional studies have not been reported for this variant. This variant has not been reported in individuals affected with APC-related disorders in the literature. This variant has not been identified in the general population by the Genome Aggregation Database (gnomAD). The available evidence is insufficient to determine the role of this variant in disease conclusively. Therefore, this variant is classified as a Variant of Uncertain Significance.

This study involves interpretation of variants in research participants for the purpose of population health screening. Participant phenotype was not available at the time of variant classification. Additional details can be found in publication PMID: 35346344, PMCID: PMC8962531